The following is an entry in ClinVar:

ClinVar aggregate classification (germline): Uncertain significance (1 of 4 stars; one submission).

Conditions:
Familial adenomatous polyposis 1 (FAP1). Also called: POLYPOSIS, ADENOMATOUS INTESTINAL; FAMILIAL ADENOMATOUS POLYPOSIS 1, ATTENUATED. Identifiers: MedGen C2713442, MONDO:0021056, OMIM 175100. Disease mechanism: loss of function.

Submission:

Labcorp Genetics (formerly Invitae), Labcorp
Classification: Uncertain significance for Familial adenomatous polyposis 1. Last evaluated: 2025-09-11. Review status: criteria provided, single submitter. Criteria: Invitae Variant Classification Sherloc (09022015). Collection method: clinical testing. Allele origin: germline.
Comment: This sequence change replaces threonine, which is neutral and polar, with asparagine, which is neutral and polar, at codon 803 of the APC protein (p.Thr803Asn). This variant is not present in population databases (gnomAD no frequency). This variant has not been reported in the literature in individuals affected with APC-related conditions. ClinVar contains an entry for this variant (Variation ID: 2701458). Invitae Evidence Modeling of protein sequence and biophysical properties (such as structural, functional, and spatial information, amino acid conservation, physicochemical variation, residue mobility, and thermodynamic stability) indicates that this missense variant is not expected to disrupt APC protein function with a negative predictive value of 95%. In summary, the available evidence is currently insufficient to determine the role of this variant in disease. Therefore, it has been classified as a Variant of Uncertain Significance.

NM_000038.6(APC):c.2408C>A (p.Thr803Asn)

Gene: APC (APC regulator of Wnt signaling pathway; plus strand). Cytogenetic location: 5q22.2.
Variant type: single nucleotide variant.
Coding change: c.2408C>A on transcript NM_000038.6 (MANE Select); coding-DNA position 2408, C replaced by A.
Protein change: p.Thr803Asn; replaces threonine 803 with asparagine.
Molecular consequence: missense variant. On other transcripts: non-coding transcript variant (2).
Genome position (GRCh38, 1-based): chr5:112,838,002, C>A. VCF-style: chr5-112838002-C-A. GRCh37 (hg19) VCF-style: chr5-112173699-C-A.
Other names: c.2408C>A, p.Thr803Asn (NM_001127510.3, NM_001354895.2, NM_001407450.1); c.2354C>A, p.Thr785Asn (NM_001127511.3); c.2462C>A, p.Thr821Asn (NM_001354896.2, NM_001407447.1, NM_001407448.1 and 1 more transcripts); c.2438C>A, p.Thr813Asn (NM_001354897.2); c.2333C>A, p.Thr778Asn (NM_001354898.2); c.2324C>A, p.Thr775Asn (NM_001354899.2); c.2285C>A, p.Thr762Asn (NM_001354900.2); c.2231C>A, p.Thr744Asn (NM_001354901.2, NM_001407453.1); and 11 more; short protein forms T720N, T762N, T793N, T796N, T803N, T813N, T821N, T419N.
Identifiers: ClinVar variation 2701458 (VCV002701458.3), dbSNP rs587780591, ClinGen allele CA16026624.
Genomic context (GRCh38, chr5:112,838,002, plus strand): 5'-CATCTCATCGTAGTAAGCAGAGACACAAGCAAAGTCTCTATGGTGATTATGTTTTTGACA[C>A]CAATCGACATGATGATAATAGGTCAGACAATTTTAATACTGGCAACATGACTGTCCTTTC-3'
Protein context (NP_000029.2, residues 793-813): QSLYGDYVFD[Thr803Asn]NRHDDNRSDN